The following is an entry in ClinVar:

ClinVar aggregate classification (germline): Uncertain significance (1 of 4 stars; one submission).

Conditions:
Inborn genetic diseases. Identifiers: MedGen C0950123, MeSH D030342.

gnomAD v4.1: 1 of 1,613,990 alleles (0.000062%); highest among the groups gnomAD compares: South Asian, 0.0011%; no homozygotes.

Submission:

Ambry Genetics
Classification: Uncertain significance for Inborn genetic diseases. Last evaluated: 2025-09-29. Review status: criteria provided, single submitter. Criteria: Ambry Variant Classification Scheme 2023. Collection method: clinical testing. Allele origin: germline.
Comment: The p.A678T variant (also known as c.2032G>A), located in coding exon 23 of the FANCA gene, results from a G to A substitution at nucleotide position 2032. The alanine at codon 678 is replaced by threonine, an amino acid with similar properties. This amino acid position is conserved. In addition, the in silico prediction for this alteration is inconclusive. Based on the available evidence, the clinical significance of this variant remains unclear.

NM_000135.4(FANCA):c.2032G>A (p.Ala678Thr)

Gene: FANCA (FA complementation group A; minus strand). Cytogenetic location: 16q24.3.
Variant type: single nucleotide variant.
Coding change: c.2032G>A on transcript NM_000135.4 (MANE Select); coding-DNA position 2032, G replaced by A.
Protein change: p.Ala678Thr; replaces alanine 678 with threonine.
Molecular consequence: missense variant.
Genome position (GRCh38, 1-based): chr16:89,771,797, C>T on the plus strand (G>A on the coding strand, the complement: FANCA is on the minus strand). VCF-style: chr16-89771797-C-T. GRCh37 (hg19) VCF-style: chr16-89838205-C-T.
Other names: c.2032G>A, p.Ala678Thr (NM_001286167.3); short protein forms A678T.
Identifiers: ClinVar variation 4619180 (VCV004619180.1).